The following is an entry in ClinVar:

NM_004006.3(DMD):c.1704+1G>A

Gene: DMD (dystrophin; minus strand). Cytogenetic location: Xp21.1.
Variant type: single nucleotide variant.
Coding change: c.1704+1G>A on transcript NM_004006.3 (MANE Select); the canonical splice donor site of the intron after coding-DNA position 1704, G replaced by A.
Molecular consequence: splice donor variant.
Genome position (GRCh38, 1-based): chrX:32,573,744, C>T on the plus strand (G>A on the coding strand, the complement: DMD is on the minus strand). VCF-style: chrX-32573744-C-T. GRCh37 (hg19) VCF-style: chrX-32591861-C-T.
Other names: c.1680+1G>A (NM_000109.4); c.1692+1G>A (NM_004009.3); c.1335+1G>A (NM_004010.3).
Identifiers: ClinVar variation 194384 (VCV000194384.23), dbSNP rs794727123, ClinGen allele CA275009.

ClinVar aggregate classification (germline): Pathogenic. Review status: criteria provided, multiple submitters, no conflicts (2 of 4 stars). 3 submissions from 3 submitters: Pathogenic (3). Last evaluated 2022-11-23.

Conditions:
Duchenne muscular dystrophy (DMD). Also called: MUSCULAR DYSTROPHY, PSEUDOHYPERTROPHIC PROGRESSIVE, DUCHENNE TYPE; Duchenne Muscular Dystrophy (DMD). Identifiers: Orphanet 98896, MedGen C0013264, MONDO:0010679, OMIM 310200.

Allele frequency attached by ClinVar (database versions not stated): gnomAD exomes below 0.00001.
gnomAD v4.1: 1 of 1,210,081 alleles (0.000083%); highest among the groups gnomAD compares: Non-Finnish European, 0.00011%; no homozygotes.

Submissions (3):

Labcorp Genetics (formerly Invitae), Labcorp
Classification: Pathogenic for Duchenne muscular dystrophy. Last evaluated: 2022-11-23. Review status: criteria provided, single submitter. Criteria: Invitae Variant Classification Sherloc (09022015). Collection method: clinical testing. Allele origin: germline.
Comment: For these reasons, this variant has been classified as Pathogenic. Algorithms developed to predict the effect of sequence changes on RNA splicing suggest that this variant may disrupt the consensus splice site. ClinVar contains an entry for this variant (Variation ID: 194384). Disruption of this splice site has been observed in individuals with Duchenne or Becker muscular dystrophy (PMID: 23756440, 25612904, 27593222, 28116794). This variant is not present in population databases (gnomAD no frequency). This sequence change affects a donor splice site in intron 14 of the DMD gene. It is expected to disrupt RNA splicing. Variants that disrupt the donor or acceptor splice site typically lead to a loss of protein function (PMID: 16199547), and loss-of-function variants in DMD are known to be pathogenic (PMID: 16770791, 25007885).

ARUP Laboratories, Molecular Genetics and Genomics, ARUP Laboratories
Classification: Pathogenic. Last evaluated: 2016-10-12. Review status: criteria provided, single submitter. Criteria: ARUP Molecular Germline Variant Investigation Process. Collection method: clinical testing. Allele origin: germline.

Eurofins Ntd Llc (ga)
Classification: Pathogenic. Last evaluated: 2015-04-20. Review status: criteria provided, single submitter. Criteria: EGL Classification Definitions 2015. Collection method: clinical testing. Allele origin: germline. Observed: 1 variant allele, 1 hemizygote.

Literature cited by the submitters: PubMed 23756440 (cited by Labcorp Genetics (formerly Invitae), Labcorp); PubMed 25612904 (cited by Labcorp Genetics (formerly Invitae), Labcorp); PubMed 27593222 (cited by Labcorp Genetics (formerly Invitae), Labcorp); PubMed 28116794 (cited by Labcorp Genetics (formerly Invitae), Labcorp); PubMed 16199547 (cited by Labcorp Genetics (formerly Invitae), Labcorp); PubMed 16770791 (cited by Labcorp Genetics (formerly Invitae), Labcorp); PubMed 25007885 (cited by Labcorp Genetics (formerly Invitae), Labcorp).